The following is an entry in ClinVar:

ClinVar aggregate classification (germline): Uncertain significance. Review status: criteria provided, multiple submitters, no conflicts (2 of 4 stars). 2 submissions from 2 submitters: Uncertain significance (2). Last evaluated 2026-01-26.

Conditions:
Hereditary cancer-predisposing syndrome. Also called: Hereditary neoplastic syndrome; Neoplastic Syndromes, Hereditary; Tumor predisposition; Hereditary Cancer Syndrome. Identifiers: Orphanet 140162, MedGen C0027672, MeSH D009386, MONDO:0015356.

Submissions (2):

Labcorp Genetics (formerly Invitae), Labcorp
Classification: Uncertain significance. Last evaluated: 2026-01-26. Review status: criteria provided, single submitter. Criteria: Invitae Variant Classification Sherloc (09022015). Collection method: clinical testing. Allele origin: germline.
Comment: This sequence change replaces tyrosine, which is neutral and polar, with histidine, which is basic and polar, at codon 937 of the POLE protein (p.Tyr937His). This variant is not present in population databases (gnomAD no frequency). This variant has not been reported in the literature in individuals affected with POLE-related conditions. ClinVar contains an entry for this variant (Variation ID: 4141162). Invitae Evidence Modeling of protein sequence and biophysical properties (such as structural, functional, and spatial information, amino acid conservation, physicochemical variation, residue mobility, and thermodynamic stability) indicates that this missense variant is expected to disrupt POLE protein function with a positive predictive value of 80%. In summary, the available evidence is currently insufficient to determine the role of this variant in disease. Therefore, it has been classified as a Variant of Uncertain Significance.

Ambry Genetics
Classification: Uncertain significance for Hereditary cancer-predisposing syndrome. Last evaluated: 2025-07-16. Review status: criteria provided, single submitter. Criteria: Ambry Variant Classification Scheme 2023. Collection method: clinical testing. Allele origin: germline.
Comment: The p.Y937H variant (also known as c.2809T>C), located in coding exon 24 of the POLE gene, results from a T to C substitution at nucleotide position 2809. The tyrosine at codon 937 is replaced by histidine, an amino acid with similar properties. This amino acid position is conserved. In addition, the in silico prediction for this alteration is inconclusive. Based on the available evidence, the clinical significance of this variant remains unclear.

NM_006231.4(POLE):c.2809T>C (p.Tyr937His)

Gene: POLE (DNA polymerase epsilon, catalytic subunit; minus strand). Cytogenetic location: 12q24.33.
Variant type: single nucleotide variant.
Coding change: c.2809T>C on transcript NM_006231.4 (MANE Select); coding-DNA position 2809, T replaced by C.
Protein change: p.Tyr937His; replaces tyrosine 937 with histidine.
Molecular consequence: missense variant.
Genome position (GRCh38, 1-based): chr12:132,661,582, A>G on the plus strand (T>C on the coding strand, the complement: POLE is on the minus strand). VCF-style: chr12-132661582-A-G. GRCh37 (hg19) VCF-style: chr12-133238168-A-G.
Other names: short protein forms Y937H.
Identifiers: ClinVar variation 4141162 (VCV004141162.2).
Genomic context (GRCh38, chr12:132,661,582, plus strand): 5'-CCCACCTCTTCTTCAATTTCTTGCCTTCTTCCTTGGAGGCTGGAAGAATCATGGCAAGGT[A>G]GGGCCCATCAACCTCAAAAAAGATGCTGTTCTCTGAGCGGGTGACGTAGGTGAGTGAGGA-3'
Protein context (NP_006222.2, residues 927-947): NSIFFEVDGP[Tyr937His]LAMILPASKE